The following is an entry in ClinVar:

NM_001853.4(COL9A3):c.337G>A (p.Gly113Arg)

Gene: COL9A3 (collagen type IX alpha 3 chain; plus strand). Cytogenetic location: 20q13.33.
Variant type: single nucleotide variant.
Coding change: c.337G>A on transcript NM_001853.4 (MANE Select); coding-DNA position 337, G replaced by A.
Protein change: p.Gly113Arg; replaces glycine 113 with arginine.
Molecular consequence: missense variant.
Genome position (GRCh38, 1-based): chr20:62,821,208, G>A. VCF-style: chr20-62821208-G-A. GRCh37 (hg19) VCF-style: chr20-61452560-G-A.
Other names: c.337G>A (NM_001853.3); short protein forms G113R.
Identifiers: ClinVar variation 1038631 (VCV001038631.9), dbSNP rs574865366, ClinGen allele CA9949165.

ClinVar aggregate classification (germline): Uncertain significance. Review status: criteria provided, multiple submitters, no conflicts (2 of 4 stars). 3 submissions from 3 submitters: Uncertain significance (3). Last evaluated 2026-01-28.

Conditions:
Inborn genetic diseases. Identifiers: MedGen C0950123, MeSH D030342.

Allele frequency attached by ClinVar (database versions not stated): 1000 Genomes Project 30x 0.00016; 1000 Genomes Project 0.00020; gnomAD exomes 0.00001; TOPMed 0.00003; gnomAD 0.00004 and 0.00005.
gnomAD v4.1: 25 of 1,613,262 alleles (0.0015%); highest among the groups gnomAD compares: South Asian, 0.0022%; no homozygotes.

Submissions (3):

Labcorp Genetics (formerly Invitae), Labcorp
Classification: Uncertain significance. Last evaluated: 2026-01-28. Review status: criteria provided, single submitter. Criteria: Invitae Variant Classification Sherloc (09022015). Collection method: clinical testing. Allele origin: germline.
Comment: This sequence change replaces glycine, which is neutral and non-polar, with arginine, which is basic and polar, at codon 113 of the COL9A3 protein (p.Gly113Arg). This variant is present in population databases (rs574865366, gnomAD 0.004%). This variant has not been reported in the literature in individuals affected with COL9A3-related conditions. ClinVar contains an entry for this variant (Variation ID: 1038631). Invitae Evidence Modeling of protein sequence and biophysical properties (such as structural, functional, and spatial information, amino acid conservation, physicochemical variation, residue mobility, and thermodynamic stability) indicates that this missense variant is expected to disrupt COL9A3 protein function with a positive predictive value of 95%. In summary, the available evidence is currently insufficient to determine the role of this variant in disease. Therefore, it has been classified as a Variant of Uncertain Significance.

Ambry Genetics
Classification: Uncertain significance for Inborn genetic diseases. Last evaluated: 2025-11-08. Review status: criteria provided, single submitter. Criteria: Ambry Variant Classification Scheme 2023. Collection method: clinical testing. Allele origin: germline.

GeneDx
Classification: Uncertain significance. Last evaluated: 2025-10-02. Review status: criteria provided, single submitter. Criteria: GeneDx Variant Classification Process June 2021. Collection method: clinical testing. Allele origin: germline.
Comment: Has not been previously published as pathogenic or benign to our knowledge; In silico analysis supports that this missense variant has a deleterious effect on protein structure/function